The following is an entry in ClinVar:

NM_001372076.1(PAX9):c.409C>T (p.Gln137Ter)

Gene: PAX9 (paired box 9; plus strand). Cytogenetic location: 14q13.3.
Variant type: single nucleotide variant.
Coding change: c.409C>T on transcript NM_001372076.1 (MANE Select); coding-DNA position 409, C replaced by T.
Protein change: p.Gln137Ter; replaces glutamine 137 with a stop codon.
Molecular consequence: nonsense.
Genome position (GRCh38, 1-based): chr14:36,663,301, C>T. VCF-style: chr14-36663301-C-T. GRCh37 (hg19) VCF-style: chr14-37132506-C-T.
Other names: c.409C>T, p.Gln137Ter (NM_006194.4); short protein forms Q137*.
Identifiers: ClinVar variation 1064707 (VCV001064707.2), dbSNP rs764595344, ClinGen allele CA7158956.

ClinVar aggregate classification (germline): Pathogenic (0 of 4 stars; one submission).

Conditions:
Oligodontia. Identifiers: MedGen C4082304, HP:0000677.

Allele frequency attached by ClinVar (database versions not stated): gnomAD exomes below 0.00001; ExAC 0.00001.
gnomAD v4.1: 1 of 1,614,172 alleles (0.000062%); highest among the groups gnomAD compares: South Asian, 0.0011%; no homozygotes.

Submission:

Department of Prosthodontics, School and Hospital of Stomatology, Hebei Medical University and Hebei Key Laboratory of Stomatology
Classification: Pathogenic for Oligodontia. Review status: no assertion criteria provided. Collection method: research. Allele origin: de novo. Affected: yes. Observed: 1 variant allele, 1 heterozygote.
Comment: MutationTaster prediction for the mutation was "disease causing", suggesting the variant was highly pathogenic.

Literature cited by the submitters: PubMed 29969831.